The following is an entry in ClinVar:

ClinVar aggregate classification (germline): Likely benign. Review status: criteria provided, multiple submitters, no conflicts (2 of 4 stars). 2 submissions from 2 submitters: Likely benign (2). Last evaluated 2025-02-19.

Allele frequency attached by ClinVar (database versions not stated): gnomAD exomes 0.00001; gnomAD 0.00006.
gnomAD v4.1: 12 of 1,612,784 alleles (0.00074%); highest among the groups gnomAD compares: Admixed American, 0.018%; no homozygotes.

Submissions (2):

Mayo Clinic Laboratories, Mayo Clinic
Classification: Likely benign. Last evaluated: 2025-02-19. Review status: criteria provided, single submitter. Criteria: ACMG Guidelines, 2015. Collection method: clinical testing. Allele origin: germline. Observed: 1 variant allele.
Comment: BP4, BP7

GeneDx
Classification: Likely benign. Last evaluated: 2018-05-08. Review status: criteria provided, single submitter. Criteria: GeneDx Variant Classification (06012015). Collection method: clinical testing. Allele origin: germline. Affected: yes.
Comment: This variant is considered likely benign or benign based on one or more of the following criteria: it is a conservative change, it occurs at a poorly conserved position in the protein, it is predicted to be benign by multiple in silico algorithms, and/or has population frequency not consistent with disease.

NM_001267550.2(TTN):c.33030C>T (p.Asp11010=)

Gene: TTN (titin; minus strand). Cytogenetic location: 2q31.2.
Variant type: single nucleotide variant.
Coding change: c.33030C>T on transcript NM_001267550.2 (MANE Select); coding-DNA position 33030, C replaced by T.
Protein change: p.Asp11010=; no amino-acid change (aspartic acid 11010 retained).
Molecular consequence: synonymous variant. On other transcripts: intron variant (3).
Genome position (GRCh38, 1-based): chr2:178,682,761, G>A on the plus strand (C>T on the coding strand, the complement: TTN is on the minus strand). VCF-style: chr2-178682761-G-A. GRCh37 (hg19) VCF-style: chr2-179547488-G-A.
Other names: p.Asp9766=; c.32079C>T, p.Asp10693= (NM_001256850.1); c.29298C>T, p.Asp9766= (NM_133378.4); c.13283-40444C>T (NM_003319.4); c.13859-40444C>T (NM_133437.4); c.13658-40444C>T (NM_133432.3).
Identifiers: ClinVar variation 668301 (VCV000668301.2), dbSNP rs1205400787, ClinGen allele CA430128183.